The following is an entry in ClinVar:

NM_153676.4(USH1C):c.1094A>G (p.Glu365Gly)

Gene: USH1C (USH1 protein network component harmonin; minus strand). Cytogenetic location: 11p15.1.
Variant type: single nucleotide variant.
Coding change: c.1094A>G on transcript NM_153676.4 (MANE Select); coding-DNA position 1094, A replaced by G.
Protein change: p.Glu365Gly; replaces glutamic acid 365 with glycine.
Molecular consequence: missense variant. On other transcripts: non-coding transcript variant (1).
Genome position (GRCh38, 1-based): chr11:17,520,986, T>C on the plus strand (A>G on the coding strand, the complement: USH1C is on the minus strand). VCF-style: chr11-17520986-T-C. GRCh37 (hg19) VCF-style: chr11-17542533-T-C.
Other names: c.1037A>G, p.Glu346Gly (NM_001297764.2); c.1094A>G, p.Glu365Gly (NM_005709.4); short protein forms E346G, E365G.
Identifiers: ClinVar variation 1418489 (VCV001418489.8), dbSNP rs2133868538, ClinGen allele CA379784733.

ClinVar aggregate classification (germline): Uncertain significance (1 of 4 stars; one submission).

Submission:

Labcorp Genetics (formerly Invitae), Labcorp
Classification: Uncertain significance. Last evaluated: 2021-04-01. Review status: criteria provided, single submitter. Criteria: Invitae Variant Classification Sherloc (09022015). Collection method: clinical testing. Allele origin: germline.
Comment: In summary, the available evidence is currently insufficient to determine the role of this variant in disease. Therefore, it has been classified as a Variant of Uncertain Significance. Algorithms developed to predict the effect of missense changes on protein structure and function (SIFT, PolyPhen-2, Align-GVGD) all suggest that this variant is likely to be tolerated, but these predictions have not been confirmed by published functional studies and their clinical significance is uncertain. This variant has not been reported in the literature in individuals with USH1C-related conditions. This variant is not present in population databases (ExAC no frequency). This sequence change replaces glutamic acid with glycine at codon 365 of the USH1C protein (p.Glu365Gly). The glutamic acid residue is moderately conserved and there is a moderate physicochemical difference between glutamic acid and glycine.